The following is an entry in ClinVar:

NM_000687.4(AHCY):c.982T>G (p.Tyr328Asp)

Gene: AHCY (adenosylhomocysteinase; minus strand). Cytogenetic location: 20q11.22.
Variant type: single nucleotide variant.
Coding change: c.982T>G on transcript NM_000687.4 (MANE Select); coding-DNA position 982, T replaced by G.
Protein change: p.Tyr328Asp; replaces tyrosine 328 with aspartic acid.
Molecular consequence: missense variant.
Genome position (GRCh38, 1-based): chr20:34,285,625, A>C on the plus strand (T>G on the coding strand, the complement: AHCY is on the minus strand). VCF-style: chr20-34285625-A-C. GRCh37 (hg19) VCF-style: chr20-32873431-A-C.
Other names: c.898T>G, p.Tyr300Asp (NM_001161766.2, NM_001322084.2, NM_001322085.2); c.988T>G, p.Tyr330Asp (NM_001322086.2); c.982T>G, p.Tyr328Asp (NM_001362750.2); short protein forms Y300D, Y328D, Y330D.
Identifiers: ClinVar variation 1303246 (VCV001303246.3), dbSNP rs748855369, ClinGen allele CA9820806.

ClinVar aggregate classification (germline): Conflicting classifications of pathogenicity. Review status: criteria provided, conflicting classifications (1 of 4 stars). 2 submissions from 2 submitters: Likely pathogenic (1); Uncertain significance (1). Last evaluated 2025-09-28.

Conditions:
Hypermethioninemia with deficiency of S-adenosylhomocysteine hydrolase. Identifiers: Orphanet 88618, MedGen C3151058, MONDO:0013404, OMIM 613752.

Allele frequency attached by ClinVar (database versions not stated): TOPMed 0.00001; ExAC 0.00002; gnomAD 0.00002; gnomAD exomes 0.00002 and 0.00003.
gnomAD v4.1: 39 of 1,613,188 alleles (0.0024%); highest among the groups gnomAD compares: Non-Finnish European, 0.0033%; no homozygotes.

Submissions (2):

Labcorp Genetics (formerly Invitae), Labcorp
Classification: Likely pathogenic for Hypermethioninemia with deficiency of S-adenosylhomocysteine hydrolase. Last evaluated: 2025-09-28. Review status: criteria provided, single submitter. Criteria: Invitae Variant Classification Sherloc (09022015). Collection method: clinical testing. Allele origin: germline.
Comment: This sequence change replaces tyrosine, which is neutral and polar, with aspartic acid, which is acidic and polar, at codon 328 of the AHCY protein (p.Tyr328Asp). This variant is present in population databases (rs748855369, gnomAD 0.004%). This missense change has been observed in individuals with S-adenosylhomocysteine hydrolase (SAHH) deficiency (PMID: 26095522, 30121674). ClinVar contains an entry for this variant (Variation ID: 1303246). Invitae Evidence Modeling of protein sequence and biophysical properties (such as structural, functional, and spatial information, amino acid conservation, physicochemical variation, residue mobility, and thermodynamic stability) indicates that this missense variant is expected to disrupt AHCY protein function with a positive predictive value of 95%. Experimental studies have shown that this missense change affects AHCY function (PMID: 28647132). In summary, the currently available evidence indicates that the variant is pathogenic, but additional data are needed to prove that conclusively. Therefore, this variant has been classified as Likely Pathogenic.

GeneDx
Classification: Uncertain significance. Last evaluated: 2020-05-20. Review status: criteria provided, single submitter. Criteria: GeneDx Variant Classification Process June 2021. Collection method: clinical testing. Allele origin: germline. Affected: yes.
Comment: In silico analysis supports that this missense variant has a deleterious effect on protein structure/function; Published functional studies suggest this variant results in impairment of dimer/tetramerization, however, assessment of enzymatic activity was not performed and additional studies are needed to validate the functional effect of this variant (Grbesa et al., 2017); This variant is associated with the following publications: (PMID: 26974671, 28647132, 26095522, 26527160, 30121674)

Literature cited by the submitters: PubMed 26095522 (cited by Labcorp Genetics (formerly Invitae), Labcorp); PubMed 30121674 (cited by Labcorp Genetics (formerly Invitae), Labcorp); PubMed 28647132 (cited by Labcorp Genetics (formerly Invitae), Labcorp).